The following is an entry in ClinVar:

ClinVar aggregate classification (germline): Uncertain significance. Review status: criteria provided, multiple submitters, no conflicts (2 of 4 stars). 4 submissions from 4 submitters: Uncertain significance (3). 1 of the submissions does not count toward it. Last evaluated 2024-10-14.

Conditions:
Cohen syndrome (COH1). Also called: PEPPER SYNDROME; Cutis verticis gyrata, retinitis pigmentosa, and sensorineural deafness. Identifiers: Orphanet 193, MedGen C0265223, MONDO:0008999, OMIM 216550.
VPS13B-related disorder. Also called: VPS13B-related condition.

Allele frequency attached by ClinVar (database versions not stated): TOPMed 0.00001; gnomAD 0.00002 and 0.00003; gnomAD exomes 0.00002; ExAC 0.00005; 1000 Genomes Project 30x 0.00016; 1000 Genomes Project 0.00020.
gnomAD v4.1: 32 of 1,601,774 alleles (0.002%); highest among the groups gnomAD compares: Non-Finnish European, 0.0024%; no homozygotes.

Submissions (4):

PreventionGenetics, part of Exact Sciences
Classification: Uncertain significance for VPS13B-related condition. Last evaluated: 2024-10-14. Review status: criteria provided, single submitter. Criteria: ACMG Guidelines, 2015. Collection method: clinical testing. Allele origin: germline.
Comment: The VPS13B c.11128C>T variant is predicted to result in the amino acid substitution p.Arg3710Trp. To our knowledge, this variant has not been reported in the literature. This variant is reported in 0.0054% of alleles in individuals of East Asian descent in gnomAD. At this time, the clinical significance of this variant is uncertain due to the absence of conclusive functional and genetic evidence.

Labcorp Genetics (formerly Invitae), Labcorp
Classification: Uncertain significance for Cohen syndrome. Last evaluated: 2022-04-30. Review status: criteria provided, single submitter. Criteria: Invitae Variant Classification Sherloc (09022015). Collection method: clinical testing. Allele origin: germline.
Comment: This sequence change replaces arginine, which is basic and polar, with tryptophan, which is neutral and slightly polar, at codon 3735 of the VPS13B protein (p.Arg3735Trp). This variant is present in population databases (rs560723051, gnomAD 0.006%). This variant has not been reported in the literature in individuals affected with VPS13B-related conditions. ClinVar contains an entry for this variant (Variation ID: 839383). Algorithms developed to predict the effect of missense changes on protein structure and function are either unavailable or do not agree on the potential impact of this missense change (SIFT: "Not Available"; PolyPhen-2: "Possibly Damaging"; Align-GVGD: "Not Available"). In summary, the available evidence is currently insufficient to determine the role of this variant in disease. Therefore, it has been classified as a Variant of Uncertain Significance.

Illumina Laboratory Services, Illumina
Classification: Uncertain significance for Cohen syndrome. Last evaluated: 2018-01-12. Review status: criteria provided, single submitter. Criteria: ICSL Variant Classification Criteria 13 December 2019. Collection method: clinical testing. Allele origin: germline.

Natera, Inc.
Classification: Uncertain significance for Cohen syndrome. Last evaluated: 2020-11-11. Review status: no assertion criteria provided. Collection method: clinical testing. Allele origin: germline. Not counted in ClinVar's aggregate classification.

NM_152564.5(VPS13B):c.11128C>T (p.Arg3710Trp)

Gene: VPS13B (vacuolar protein sorting 13 homolog B; plus strand). Cytogenetic location: 8q22.2.
Variant type: single nucleotide variant.
Coding change: c.11128C>T on transcript NM_152564.5 (MANE Select); coding-DNA position 11128, C replaced by T.
Protein change: p.Arg3710Trp; replaces arginine 3710 with tryptophan.
Molecular consequence: missense variant.
Genome position (GRCh38, 1-based): chr8:99,861,859, C>T. VCF-style: chr8-99861859-C-T. GRCh37 (hg19) VCF-style: chr8-100874087-C-T.
Other names: c.11128C>T (NM_152564.4); c.11203C>T, p.Arg3735Trp (NM_017890.5); short protein forms R3735W, R3710W.
Identifiers: ClinVar variation 839383 (VCV000839383.12), dbSNP rs560723051, ClinGen allele CA4825150.
Genomic context (GRCh38, chr8:99,861,859, plus strand): 5'-CTCGCCACAAGCCTGGCCCGGAACATGGACCGGCTCTCACTGGATGAGGAGCACTACAAC[C>T]GGCAGGAGGAGTGGCGGCGGCAGCTCCCCGAGAGCCTGGGCGAGGGGCTTCGACAGGGCC-3'
Protein context (NP_689777.3, residues 3700-3720): RLSLDEEHYN[Arg3710Trp]QEEWRRQLPE